The following is an entry in ClinVar:

NM_001267550.2(TTN):c.39626-4A>G

Gene: TTN (titin; minus strand). Cytogenetic location: 2q31.2.
Variant type: single nucleotide variant.
Coding change: c.39626-4A>G on transcript NM_001267550.2 (MANE Select); 4 bases into the intron before coding-DNA position 39626, A replaced by G.
Molecular consequence: intron variant.
Genome position (GRCh38, 1-based): chr2:178,650,838, T>C on the plus strand (A>G on the coding strand, the complement: TTN is on the minus strand). VCF-style: chr2-178650838-T-C. GRCh37 (hg19) VCF-style: chr2-179515565-T-C.
Other names: c.13283-8521A>G (NM_003319.4); c.13859-8521A>G (NM_133437.4); c.13658-8521A>G (NM_133432.3); c.32324-4A>G (NM_133378.4); c.35105-4A>G (NM_001256850.1).
Identifiers: ClinVar variation 413234 (VCV000413234.13), dbSNP rs559564145, ClinGen allele CA16610418.

ClinVar aggregate classification (germline): Conflicting classifications of pathogenicity. Review status: criteria provided, conflicting classifications (1 of 4 stars). 2 submissions from 2 submitters: Uncertain significance (1); Likely benign (1). Last evaluated 2025-09-29.

Conditions:
TTN-related disorder. Also called: TTN-related disorders; TTN-related condition; TTN-related disease.
Autosomal recessive limb-girdle muscular dystrophy type 2J (LGMDR10). Also called: Limb-girdle muscular dystrophy, type 2J; MUSCULAR DYSTROPHY, LIMB-GIRDLE, AUTOSOMAL RECESSIVE 10. Identifiers: Orphanet 140922, MedGen C1837342, MONDO:0012127, OMIM 608807.
Dilated cardiomyopathy 1G (CMD1G). Identifiers: Orphanet 154, MedGen C1858763, MONDO:0011400, OMIM 604145.

Allele frequency attached by ClinVar (database versions not stated): gnomAD exomes 0.00001; gnomAD 0.00005; TOPMed 0.00012; 1000 Genomes Project 0.00020; 1000 Genomes Project 30x 0.00031.
gnomAD v4.1: 18 of 1,596,500 alleles (0.0011%); highest among the groups gnomAD compares: Admixed American, 0.019%; no homozygotes.

Submissions (2):

Labcorp Genetics (formerly Invitae), Labcorp
Classification: Likely benign for Dilated cardiomyopathy 1G; Autosomal recessive limb-girdle muscular dystrophy type 2J. Last evaluated: 2025-09-29. Review status: criteria provided, single submitter. Criteria: Invitae Variant Classification Sherloc (09022015). Collection method: clinical testing. Allele origin: germline.

PreventionGenetics, part of Exact Sciences
Classification: Uncertain significance for TTN-related condition. Last evaluated: 2025-08-14. Review status: criteria provided, single submitter. Criteria: ACMG Guidelines, 2015. Collection method: clinical testing. Allele origin: germline.
Comment: The TTN c.39626-4A>G variant is predicted to interfere with splicing. To our knowledge, this variant has not been reported in the literature. This variant is reported in 0.0076% of alleles in individuals of African descent in gnomAD. At this time, the clinical significance of this variant is uncertain due to the absence of conclusive functional and genetic evidence.